The following is an entry in ClinVar:

NM_198129.4(LAMA3):c.7351A>C (p.Met2451Leu)

Gene: LAMA3 (laminin subunit alpha 3; plus strand). Cytogenetic location: 18q11.2.
Variant type: single nucleotide variant.
Coding change: c.7351A>C on transcript NM_198129.4 (MANE Select); coding-DNA position 7351, A replaced by C.
Protein change: p.Met2451Leu; replaces methionine 2451 with leucine.
Molecular consequence: missense variant.
Genome position (GRCh38, 1-based): chr18:23,914,431, A>C. VCF-style: chr18-23914431-A-C. GRCh37 (hg19) VCF-style: chr18-21494395-A-C.
Other names: c.2524A>C, p.Met842Leu (NM_000227.6); c.7183A>C, p.Met2395Leu (NM_001127717.4); c.2356A>C, p.Met786Leu (NM_001127718.4); short protein forms M2395L, M2451L, M786L, M842L.
Identifiers: ClinVar variation 4749959 (VCV004749959.1).
Genomic context (GRCh38, chr18:23,914,431, plus strand): 5'-CACAATGTGAAGTGTTCTGAGGTGGCCCTTTGTCTCCAGGCCTCCCGGGACTACATCGGC[A>C]TGGCAGTTGTGGATGGCCAGCTCACCTGTGTCTACAACCTGGGGGACCGTGAGGCTGAAC-3'
Protein context (NP_937762.2, residues 2441-2461): NKDASRDYIG[Met2451Leu]AVVDGQLTCV

ClinVar aggregate classification (germline): Uncertain significance (1 of 4 stars; one submission).

gnomAD v4.1: 11 of 1,614,184 alleles (0.00068%); highest among the groups gnomAD compares: African/African-American, 0.0013%; no homozygotes.

Submission:

Labcorp Genetics (formerly Invitae), Labcorp
Classification: Uncertain significance. Last evaluated: 2025-08-19. Review status: criteria provided, single submitter. Criteria: Invitae Variant Classification Sherloc (09022015). Collection method: clinical testing. Allele origin: germline.
Comment: This sequence change replaces methionine, which is neutral and non-polar, with leucine, which is neutral and non-polar, at codon 842 of the LAMA3 protein (p.Met842Leu). This variant is not present in population databases (gnomAD no frequency). This variant has not been reported in the literature in individuals affected with LAMA3-related conditions. An algorithm developed to predict the effect of missense changes on protein structure and function (PolyPhen-2) suggests that this variant is likely to be disruptive. In summary, the available evidence is currently insufficient to determine the role of this variant in disease. Therefore, it has been classified as a Variant of Uncertain Significance.